The following is an entry in ClinVar:

ClinVar aggregate classification (germline): Uncertain significance (1 of 4 stars; one submission).

Conditions:
RASopathy. Also called: Noonan spectrum disorder; rasopathies. Identifiers: Orphanet 536391, MedGen C5555857, MONDO:0021060.

Allele frequency attached by ClinVar (database versions not stated): gnomAD exomes below 0.00001.
gnomAD v4.1: 1 of 1,607,152 alleles (0.000062%); highest among the groups gnomAD compares: Non-Finnish European, 0.000085%; no homozygotes.

Submission:

Labcorp Genetics (formerly Invitae), Labcorp
Classification: Uncertain significance for RASopathy. Last evaluated: 2021-06-23. Review status: criteria provided, single submitter. Criteria: Invitae Variant Classification Sherloc (09022015). Collection method: clinical testing. Allele origin: germline.
Comment: This sequence change replaces leucine with valine at codon 865 of the SOS1 protein (p.Leu865Val). The leucine residue is highly conserved and there is a small physicochemical difference between leucine and valine. This variant is not present in population databases (ExAC no frequency). In summary, the available evidence is currently insufficient to determine the role of this variant in disease. Therefore, it has been classified as a Variant of Uncertain Significance. Algorithms developed to predict the effect of sequence changes on RNA splicing suggest that this variant may create or strengthen a splice site, but this prediction has not been confirmed by published transcriptional studies. Advanced modeling of protein sequence and biophysical properties (such as structural, functional, and spatial information, amino acid conservation, physicochemical variation, residue mobility, and thermodynamic stability) performed at Invitae indicates that this missense variant is expected to disrupt SOS1 protein function. This variant has not been reported in the literature in individuals with SOS1-related conditions.

NM_005633.4(SOS1):c.2593T>G (p.Leu865Val)

Gene: SOS1 (SOS Ras/Rac guanine nucleotide exchange factor 1; minus strand). Cytogenetic location: 2p22.1.
Variant type: single nucleotide variant.
Coding change: c.2593T>G on transcript NM_005633.4 (MANE Select); coding-DNA position 2593, T replaced by G.
Protein change: p.Leu865Val; replaces leucine 865 with valine.
Molecular consequence: missense variant.
Genome position (GRCh38, 1-based): chr2:39,007,111, A>C on the plus strand (T>G on the coding strand, the complement: SOS1 is on the minus strand). VCF-style: chr2-39007111-A-C. GRCh37 (hg19) VCF-style: chr2-39234252-A-C.
Other names: c.2572T>G, p.Leu858Val (NM_001382394.1); c.2593T>G, p.Leu865Val (NM_001382395.1); short protein forms L858V, L865V.
Identifiers: ClinVar variation 1500873 (VCV001500873.8), dbSNP rs2124503349, ClinGen allele CA346363492.